The following is an entry in ClinVar:

ClinVar aggregate classification (germline): Benign/Likely benign. Review status: criteria provided, multiple submitters, no conflicts (2 of 4 stars). 8 submissions from 8 submitters: Benign (5); Likely benign (1). 2 of the submissions do not count toward it. Last evaluated 2026-02-02.

Conditions:
Familial thoracic aortic aneurysm and aortic dissection (TAAD). Also called: Thoracic aortic aneurysms and dissections. Identifiers: Orphanet 91387, MedGen C4707243, MONDO:0019625.
Congenital contractural arachnodactyly (CCA). Also called: BEALS SYNDROME; Beals-Hecht syndrome; Arthrogryposis, distal, type 9. Identifiers: Orphanet 115, MedGen C0220668, MONDO:0007363, OMIM 121050.

Allele frequency attached by ClinVar (database versions not stated): ESP Exome Variant Server 0.00015; ExAC 0.00065; TOPMed 0.00065; 1000 Genomes Project 30x 0.00234; 1000 Genomes Project 0.00260.
gnomAD v4.1: 554 of 1,613,472 alleles (0.034%); highest among the groups gnomAD compares: East Asian, 1.1%; 6 homozygotes.

Submissions (8):

Labcorp Genetics (formerly Invitae), Labcorp
Classification: Benign for Congenital contractural arachnodactyly. Last evaluated: 2026-02-02. Review status: criteria provided, single submitter. Criteria: Invitae Variant Classification Sherloc (09022015). Collection method: clinical testing. Allele origin: germline.

Blueprint Genetics
Classification: Likely benign. Last evaluated: 2024-09-18. Review status: criteria provided, single submitter. Criteria: ACMG Guidelines, 2015. Collection method: clinical testing. Allele origin: germline.

CeGaT Center for Human Genetics Tuebingen
Classification: Benign. Last evaluated: 2024-06-01. Review status: criteria provided, single submitter. Criteria: CeGaT Center For Human Genetics Tuebingen Variant Classification Criteria Version 2. Collection method: clinical testing. Allele origin: germline. Affected: yes. Observed: 1 variant allele.
Comment: FBN2: BP4, BP7, BS1, BS2

Illumina Laboratory Services, Illumina
Classification: Benign for Congenital contractural arachnodactyly. Last evaluated: 2018-01-13. Review status: criteria provided, single submitter. Criteria: ICSL Variant Classification Criteria 13 December 2019. Collection method: clinical testing. Allele origin: germline.
Comment: This variant was observed in the ICSL laboratory as part of a predisposition screen in an ostensibly healthy population. It had not been previously curated by ICSL or reported in the Human Gene Mutation Database (HGMD: prior to June 1st, 2018), and was therefore a candidate for classification through an automated scoring system. Utilizing variant allele frequency, disease prevalence and penetrance estimates, and inheritance mode, an automated score was calculated to assess if this variant is too frequent to cause the disease. Based on the score and internal cut-off values, a variant classified as benign is not then subjected to further curation. The score for this variant resulted in a classification of benign for this disease.

Ambry Genetics
Classification: Benign for Familial thoracic aortic aneurysm and aortic dissection. Last evaluated: 2016-07-22. Review status: criteria provided, single submitter. Criteria: Ambry Variant Classification Scheme 2023. Collection method: clinical testing. Allele origin: germline.

GeneDx
Classification: Benign. Last evaluated: 2014-01-12. Review status: criteria provided, single submitter. Criteria: GeneDx Variant Classification (06012015). Collection method: clinical testing. Allele origin: germline. Affected: yes.
Comment: This variant is considered likely benign or benign based on one or more of the following criteria: it is a conservative change, it occurs at a poorly conserved position in the protein, it is predicted to be benign by multiple in silico algorithms, and/or has population frequency not consistent with disease.

Clinical Genetics DNA and cytogenetics Diagnostics Lab, Erasmus MC, Erasmus Medical Center
Classification: Likely benign. Review status: no assertion criteria provided. Collection method: clinical testing. Allele origin: germline. Affected: yes. Study: VKGL Data-share Consensus. Not counted in ClinVar's aggregate classification.

Genome Diagnostics Laboratory, Amsterdam University Medical Center
Classification: Benign. Review status: no assertion criteria provided. Collection method: clinical testing. Allele origin: germline. Affected: yes. Study: VKGL Data-share Consensus. Not counted in ClinVar's aggregate classification.

NM_001999.4(FBN2):c.7650C>G (p.Thr2550=)

Gene: FBN2 (fibrillin 2; minus strand). Cytogenetic location: 5q23.3.
Variant type: single nucleotide variant.
Coding change: c.7650C>G on transcript NM_001999.4 (MANE Select); coding-DNA position 7650, C replaced by G.
Protein change: p.Thr2550=; no amino-acid change (threonine 2550 retained).
Molecular consequence: synonymous variant.
Genome position (GRCh38, 1-based): chr5:128,274,628, G>C on the plus strand (C>G on the coding strand, the complement: FBN2 is on the minus strand). VCF-style: chr5-128274628-G-C. GRCh37 (hg19) VCF-style: chr5-127610320-G-C.
Other names: p.T2550T:ACC>ACG.
Identifiers: ClinVar variation 137350 (VCV000137350.41), dbSNP rs140978642, ClinGen allele CA290894.